The following is an entry in ClinVar:

ClinVar aggregate classification (germline): Uncertain significance (1 of 4 stars; one submission).

Conditions:
Peripheral neuropathy. Also called: Neuropathy. Identifiers: MedGen C0031117, MONDO:0005244, HP:0009830.

Submission:

Lupski Lab, Baylor-Hopkins CMG, Baylor College of Medicine
Classification: Uncertain significance for Peripheral neuropathy. Last evaluated: 2015-09-17. Review status: criteria provided, single submitter. Criteria: Pehlivan et al. (Genet Med. 2016). Collection method: research. Allele origin: germline. Inheritance: Autosomal dominant inheritance. Affected: yes.
Comment: There is no association in the literature between KIF24 and neuropathy.

Single allele

Gene: KIF24 (kinesin family member 24; minus strand). Cytogenetic location: 9p13.3.
Variant type: Deletion.
Identifiers: ClinVar variation 243059 (VCV000243059.1).